The following is an entry in ClinVar:

NM_207352.4(CYP4V2):c.1446G>C (p.Ser482=)

Gene: CYP4V2 (cytochrome P450 family 4 subfamily V member 2; plus strand). Cytogenetic location: 4q35.2.
Variant type: single nucleotide variant.
Coding change: c.1446G>C on transcript NM_207352.4 (MANE Select); coding-DNA position 1446, G replaced by C.
Protein change: p.Ser482=; no amino-acid change (serine 482 retained).
Molecular consequence: synonymous variant.
Genome position (GRCh38, 1-based): chr4:186,210,509, G>C. VCF-style: chr4-186210509-G-C. GRCh37 (hg19) VCF-style: chr4-187131663-G-C.
Other names: c.1446G>C (NM_207352.3).
Identifiers: ClinVar variation 2786444 (VCV002786444.4), dbSNP rs141950964, ClinGen allele CA442641189.
Genomic context (GRCh38, chr4:186,210,509, plus strand): 5'-GTATCTACATTAATTTGAAGGTCAAAAGTTTGCTGTGATGGAAGAAAAGACCATTCTTTC[G>C]TGCATCCTGAGGCACTTTTGGATAGAATCCAACCAGAAAAGAGAAGAGCTTGGTCTAGAA-3'
Protein context (NP_997235.3, residues 472-492): FAVMEEKTIL[Ser482=]CILRHFWIES

ClinVar aggregate classification (germline): Likely benign. Review status: criteria provided, multiple submitters, no conflicts (2 of 4 stars). 2 submissions from 2 submitters: Likely benign (2). Last evaluated 2025-12-08.

Conditions:
CYP4V2-related disorder. Also called: CYP4V2-related condition; CYP4V2-related disorders.

gnomAD v4.1: 7 of 1,614,036 alleles (0.00043%); highest among the groups gnomAD compares: African/African-American, 0.0053%; no homozygotes.

Submissions (2):

PreventionGenetics, part of Exact Sciences
Classification: Likely benign for CYP4V2-related condition. Last evaluated: 2025-12-08. Review status: criteria provided, single submitter. Criteria: ACMG Guidelines, 2015. Collection method: clinical testing. Allele origin: germline.
Comment: This variant is classified as likely benign based on ACMG/AMP sequence variant interpretation guidelines (Richards et al. 2015 PMID: 25741868, with internal and published modifications).

Labcorp Genetics (formerly Invitae), Labcorp
Classification: Likely benign. Last evaluated: 2023-06-14. Review status: criteria provided, single submitter. Criteria: Invitae Variant Classification Sherloc (09022015). Collection method: clinical testing. Allele origin: germline.